The following is an entry in ClinVar:

NM_152263.4(TPM3):c.412G>A (p.Asp138Asn)

Gene: TPM3 (tropomyosin 3; minus strand). Cytogenetic location: 1q21.3.
Variant type: single nucleotide variant.
Coding change: c.412G>A on transcript NM_152263.4 (MANE Select); coding-DNA position 412, G replaced by A.
Protein change: p.Asp138Asn; replaces aspartic acid 138 with asparagine.
Molecular consequence: missense variant. On other transcripts: non-coding transcript variant (1).
Genome position (GRCh38, 1-based): chr1:154,173,167, C>T on the plus strand (G>A on the coding strand, the complement: TPM3 is on the minus strand). VCF-style: chr1-154173167-C-T. GRCh37 (hg19) VCF-style: chr1-154145643-C-T.
Other names: c.301G>A, p.Asp101Asn (NM_001043351.2, NM_001043352.2, NM_001043353.2 and 5 more transcripts); c.103G>A, p.Asp35Asn (NM_001278188.2); c.31G>A, p.Asp11Asn (NM_001278191.2); c.412G>A, p.Asp138Asn (NM_001364679.2, NM_001364680.2, NM_001364681.2 and 1 more transcripts); short protein forms D101N, D11N, D138N, D35N.
Identifiers: ClinVar variation 1314575 (VCV001314575.2), dbSNP rs2148242185, ClinGen allele CA342584460.

ClinVar aggregate classification (germline): Uncertain significance (1 of 4 stars; one submission).

Submission:

GeneDx
Classification: Uncertain significance. Last evaluated: 2021-04-14. Review status: criteria provided, single submitter. Criteria: GeneDx Variant Classification Process June 2021. Collection method: clinical testing. Allele origin: germline. Affected: yes.
Comment: Not observed at significant frequency in large population cohorts (Lek et al., 2016); Missense variants in this gene are often considered pathogenic (Stenson et al., 2014); In silico analysis supports that this missense variant has a deleterious effect on protein structure/function; Has not been previously published as pathogenic or benign to our knowledge